The following is an entry in ClinVar:

ClinVar aggregate classification (germline): Uncertain significance. Review status: criteria provided, single submitter (1 of 4 stars). 2 submissions from 2 submitters: Uncertain significance (1). 1 of the submissions does not count toward it. Last evaluated 2025-10-23.

Conditions:
Neutropenia, severe congenital, 1, autosomal dominant. Identifiers: MedGen C1859966, MONDO:0042490, OMIM 202700.
Cyclical neutropenia. Also called: Cyclic hematopoiesis; Cyclic Neutropenia. Identifiers: Orphanet 2686, MedGen C0221023, MONDO:0008090, OMIM 162800, HP:0040289. Disease mechanism: loss of function.
ELANE-related disorder. Also called: ELANE-related condition.

Submissions (2):

Labcorp Genetics (formerly Invitae), Labcorp
Classification: Uncertain significance for Neutropenia, severe congenital, 1, autosomal dominant; Cyclical neutropenia. Last evaluated: 2025-10-23. Review status: criteria provided, single submitter. Criteria: Invitae Variant Classification Sherloc (09022015). Collection method: clinical testing. Allele origin: germline.
Comment: This sequence change replaces glycine, which is neutral and non-polar, with glutamic acid, which is acidic and polar, at codon 148 of the ELANE protein (p.Gly148Glu). The frequency data for this variant in the population databases is considered unreliable, as metrics indicate poor data quality at this position in the gnomAD database. This variant has not been reported in the literature in individuals affected with ELANE-related conditions. ClinVar contains an entry for this variant (Variation ID: 1516872). Invitae Evidence Modeling of protein sequence and biophysical properties (such as structural, functional, and spatial information, amino acid conservation, physicochemical variation, residue mobility, and thermodynamic stability) has been performed for this missense variant. However, the output from this modeling did not meet the statistical confidence thresholds required to predict the impact of this variant on ELANE protein function. In summary, the available evidence is currently insufficient to determine the role of this variant in disease. Therefore, it has been classified as a Variant of Uncertain Significance.

PreventionGenetics, part of Exact Sciences
Classification: Uncertain significance for ELANE-related condition. Last evaluated: 2024-06-04. Review status: no assertion criteria provided. Collection method: clinical testing. Allele origin: germline. Not counted in ClinVar's aggregate classification.
Comment: The ELANE c.443G>A variant is predicted to result in the amino acid substitution p.Gly148Glu. To our knowledge, this variant has not been reported in the literature. This variant is reported in 0.010% of alleles in individuals of Ashkenazi Jewish descent in gnomAD. At this time, the clinical significance of this variant is uncertain due to the absence of conclusive functional and genetic evidence.

NM_001972.4(ELANE):c.443G>A (p.Gly148Glu)

Gene: ELANE (elastase, neutrophil expressed; plus strand). Cytogenetic location: 19p13.3.
Variant type: single nucleotide variant.
Coding change: c.443G>A on transcript NM_001972.4 (MANE Select); coding-DNA position 443, G replaced by A.
Protein change: p.Gly148Glu; replaces glycine 148 with glutamic acid.
Molecular consequence: missense variant.
Genome position (GRCh38, 1-based): chr19:855,640, G>A. VCF-style: chr19-855640-G-A. GRCh37 (hg19) VCF-style: chr19-855640-G-A.
Other names: c.443G>A (NM_001972.3); short protein forms G148E.
Identifiers: ClinVar variation 1516872 (VCV001516872.9), dbSNP rs1309647401, ClinGen allele CA402918072.